The following is an entry in ClinVar:

ClinVar aggregate classification (germline): Likely benign. Review status: criteria provided, single submitter (1 of 4 stars). 2 submissions from 2 submitters: Likely benign (1). 1 of the submissions does not count toward it. Last evaluated 2025-08-19.

Conditions:
SGCA-related disorder. Also called: SGCA-related condition.
Autosomal recessive limb-girdle muscular dystrophy type 2D (LGMDR3). Also called: ADHALINOPATHY, PRIMARY; MUSCULAR DYSTROPHY, LIMB-GIRDLE, AUTOSOMAL RECESSIVE 3; DUCHENNE-LIKE AUTOSOMAL RECESSIVE MUSCULAR DYSTROPHY, TYPE 2. Identifiers: Orphanet 62, MedGen C2936332, MONDO:0011968, OMIM 608099. Disease mechanism: Affects gamma-sarcoglycan and also disrupts the integrity of the entire sarcoglycan complex..

Allele frequency attached by ClinVar (database versions not stated): TOPMed below 0.00001; gnomAD 0.00001; gnomAD exomes 0.00004 and 0.00007; ExAC 0.00005; 1000 Genomes Project 0.00020; 1000 Genomes Project 30x 0.00031.
gnomAD v4.1: 24 of 1,614,234 alleles (0.0015%); highest among the groups gnomAD compares: Admixed American, 0.037%; no homozygotes.

Submissions (2):

Labcorp Genetics (formerly Invitae), Labcorp
Classification: Likely benign for Autosomal recessive limb-girdle muscular dystrophy type 2D. Last evaluated: 2025-08-19. Review status: criteria provided, single submitter. Criteria: Invitae Variant Classification Sherloc (09022015). Collection method: clinical testing. Allele origin: germline.

PreventionGenetics, part of Exact Sciences
Classification: Likely benign for SGCA-related condition. Last evaluated: 2020-09-01. Review status: no assertion criteria provided. Collection method: clinical testing. Allele origin: germline. Not counted in ClinVar's aggregate classification.
Comment: This variant is classified as likely benign based on ACMG/AMP sequence variant interpretation guidelines (Richards et al. 2015 PMID: 25741868, with internal and published modifications).

NM_000023.4(SGCA):c.894G>C (p.Leu298=)

Gene: SGCA (sarcoglycan alpha; plus strand). Cytogenetic location: 17q21.33.
Variant type: single nucleotide variant.
Coding change: c.894G>C on transcript NM_000023.4 (MANE Select); coding-DNA position 894, G replaced by C.
Protein change: p.Leu298=; no amino-acid change (leucine 298 retained).
Molecular consequence: synonymous variant. On other transcripts: intron variant (1).
Genome position (GRCh38, 1-based): chr17:50,170,289, G>C. VCF-style: chr17-50170289-G-C. GRCh37 (hg19) VCF-style: chr17-48247650-G-C.
Other names: c.585-351G>C (NM_001135697.3); c.894G>C (NM_000023.3).
Identifiers: ClinVar variation 1638904 (VCV001638904.10), dbSNP rs182535883, ClinGen allele CA8643939.